The following is an entry in ClinVar:

NM_178335.3(CCDC50):c.977-7_977-5dup

Gene: CCDC50 (coiled-coil domain containing 50; plus strand). Cytogenetic location: 3q28.
Variant type: Duplication.
Coding change: c.977-7_977-5dup on transcript NM_178335.3 (MANE Select); 7 bases into the intron before coding-DNA position 977 through 5 bases into the intron before coding-DNA position 977, 3 bases duplicated (TTT; older notation c.977-7_977-5dupTTT).
Molecular consequence: intron variant.
Genome position (GRCh38, 1-based): chr3:191,380,152-191,380,154, TTT duplicated; duplicating any 3 consecutive bases within chr3:191,380,140-191,380,154 gives the same sequence; the c. name uses the placement nearest the transcript's 3' end. VCF-style (leftmost placement, unchanged base first): chr3-191380139-G-GTTT. GRCh37 (hg19) VCF-style: chr3-191097928-G-GTTT.
Other names: c.449-7_449-5dup (NM_174908.4).
Identifiers: ClinVar variation 3038329 (VCV003038329.2), dbSNP rs34031057, ClinGen allele CA2755394.

ClinVar aggregate classification (germline): Benign (0 of 4 stars; one submission).

Conditions:
CCDC50-related disorder. Also called: CCDC50-related condition.

Submission:

PreventionGenetics, part of Exact Sciences
Classification: Benign for CCDC50-related condition. Last evaluated: 2019-05-07. Review status: no assertion criteria provided. Collection method: clinical testing. Allele origin: germline.
Comment: This variant is classified as benign based on ACMG/AMP sequence variant interpretation guidelines (Richards et al. 2015 PMID: 25741868, with internal and published modifications).